The following is an entry in ClinVar:

ClinVar aggregate classification (germline): Likely benign. Review status: criteria provided, multiple submitters, no conflicts (2 of 4 stars). 4 submissions from 4 submitters: Likely benign (3). 1 of the submissions does not count toward it. Last evaluated 2026-06-24.

Conditions:
CACNA1A-related disorder. Also called: CACNA1A-related condition.
Episodic ataxia type 2 (EA2). Also called: ATAXIA, EPISODIC, WITH NYSTAGMUS; ATAXIA, FAMILIAL PAROXYSMAL; CEREBELLAR ATAXIA, PAROXYSMAL, ACETAZOLAMIDE-RESPONSIVE; CEREBELLOPATHY, HEREDITARY PAROXYSMAL; EPISODIC ATAXIA, NYSTAGMUS-ASSOCIATED; ACETAZOLAMIDE-RESPONSIVE HEREDITARY PAROXYSMAL CEREBELLAR ATAXIA. Identifiers: Orphanet 97, MedGen C1720416, MONDO:0007163, OMIM 108500.
Developmental and epileptic encephalopathy, 42 (DEE42A). Also called: Epileptic encephalopathy, early infantile, 42; DEVELOPMENTAL AND EPILEPTIC ENCEPHALOPATHY 42A; EPILEPTIC ENCEPHALOPATHY, EARLY INFANTILE, 42A. Identifiers: MedGen C4310716, MONDO:0014917, OMIM 617106.
Inborn genetic diseases. Identifiers: MedGen C0950123, MeSH D030342.

Allele frequency attached by ClinVar (database versions not stated): TOPMed below 0.00001; gnomAD exomes 0.00001 and 0.00002; ExAC 0.00002; gnomAD 0.00003; 1000 Genomes Project 30x 0.00016; 1000 Genomes Project 0.00020.
gnomAD v4.1: 20 of 1,612,696 alleles (0.0012%); highest among the groups gnomAD compares: East Asian, 0.027%; no homozygotes.

Submissions (4):

Ambry Genetics
Classification: Likely benign for Inborn genetic diseases. Last evaluated: 2026-06-24. Review status: criteria provided, single submitter. Criteria: Ambry Variant Classification Scheme 2023. Collection method: clinical testing. Allele origin: germline.

Labcorp Genetics (formerly Invitae), Labcorp
Classification: Likely benign for Developmental and epileptic encephalopathy, 42; Episodic ataxia type 2. Last evaluated: 2025-11-17. Review status: criteria provided, single submitter. Criteria: Invitae Variant Classification Sherloc (09022015). Collection method: clinical testing. Allele origin: germline.

GeneDx
Classification: Likely benign. Last evaluated: 2021-06-09. Review status: criteria provided, single submitter. Criteria: GeneDx Variant Classification Process June 2021. Collection method: clinical testing. Allele origin: germline. Affected: yes.

PreventionGenetics, part of Exact Sciences
Classification: Likely benign for CACNA1A-related condition. Last evaluated: 2019-04-12. Review status: no assertion criteria provided. Collection method: clinical testing. Allele origin: germline. Not counted in ClinVar's aggregate classification.
Comment: This variant is classified as likely benign based on ACMG/AMP sequence variant interpretation guidelines (Richards et al. 2015 PMID: 25741868, with internal and published modifications).

NM_001127222.2(CACNA1A):c.5853C>T (p.Thr1951=)

Gene: CACNA1A (calcium voltage-gated channel subunit alpha1 A; minus strand). Cytogenetic location: 19p13.13.
Variant type: single nucleotide variant.
Coding change: c.5853C>T on transcript NM_001127222.2 (MANE Select); coding-DNA position 5853, C replaced by T.
Protein change: p.Thr1951=; no amino-acid change (threonine 1951 retained).
Molecular consequence: synonymous variant.
Genome position (GRCh38, 1-based): chr19:13,214,320, G>A on the plus strand (C>T on the coding strand, the complement: CACNA1A is on the minus strand). VCF-style: chr19-13214320-G-A. GRCh37 (hg19) VCF-style: chr19-13325134-G-A.
Other names: c.5871C>T, p.Thr1957= (NM_000068.4, NM_023035.3); c.5856C>T, p.Thr1952= (NM_001127221.2); c.5862C>T, p.Thr1954= (NM_001174080.2); c.5853C>T (NM_001127222.1).
Identifiers: ClinVar variation 726006 (VCV000726006.13), dbSNP rs534218994, ClinGen allele CA9239558.